The following is an entry in ClinVar:

NM_001271938.2(MEGF8):c.3461C>T (p.Pro1154Leu)

Gene: MEGF8 (multiple EGF like domains 8; plus strand). Cytogenetic location: 19q13.2.
Variant type: single nucleotide variant.
Coding change: c.3461C>T on transcript NM_001271938.2 (MANE Select); coding-DNA position 3461, C replaced by T.
Protein change: p.Pro1154Leu; replaces proline 1154 with leucine.
Molecular consequence: missense variant.
Genome position (GRCh38, 1-based): chr19:42,353,038, C>T. VCF-style: chr19-42353038-C-T. GRCh37 (hg19) VCF-style: chr19-42857190-C-T.
Other names: c.3260C>T, p.Pro1087Leu (NM_001410.3); short protein forms P1154L, P1087L.
Identifiers: ClinVar variation 664813 (VCV000664813.12), dbSNP rs562936594, ClinGen allele CA9475003.

ClinVar aggregate classification (germline): Uncertain significance. Review status: criteria provided, multiple submitters, no conflicts (2 of 4 stars). 3 submissions from 3 submitters: Uncertain significance (3). Last evaluated 2024-11-08.

Conditions:
MEGF8-related Carpenter syndrome. Also called: Carpenter syndrome 2. Identifiers: Orphanet 65759, MedGen C3554247, MONDO:0013998, OMIM 614976.
Inborn genetic diseases. Identifiers: MedGen C0950123, MeSH D030342.

Allele frequency attached by ClinVar (database versions not stated): gnomAD exomes 0.00006 and 0.00020; ExAC 0.00010; gnomAD 0.00016 and 0.00017; TOPMed 0.00034; 1000 Genomes Project 30x 0.00047; 1000 Genomes Project 0.00060.

Submissions (3):

Ambry Genetics
Classification: Uncertain significance for Inborn genetic diseases. Last evaluated: 2024-11-08. Review status: criteria provided, single submitter. Criteria: Ambry Variant Classification Scheme 2023. Collection method: clinical testing. Allele origin: germline.

Labcorp Genetics (formerly Invitae), Labcorp
Classification: Uncertain significance for MEGF8-related Carpenter syndrome. Last evaluated: 2021-05-06. Review status: criteria provided, single submitter. Criteria: Invitae Variant Classification Sherloc (09022015). Collection method: clinical testing. Allele origin: germline.
Comment: This variant is present in population databases (rs562936594, ExAC 0.2%). This sequence change replaces proline with leucine at codon 1087 of the MEGF8 protein (p.Pro1087Leu). The proline residue is moderately conserved and there is a moderate physicochemical difference between proline and leucine. This variant has not been reported in the literature in individuals with MEGF8-related disease. Algorithms developed to predict the effect of missense changes on protein structure and function are either unavailable or do not agree on the potential impact of this missense change (SIFT: "Deleterious"; PolyPhen-2: "Benign"; Align-GVGD: "Class C0"). In summary, the available evidence is currently insufficient to determine the role of this variant in disease. Therefore, it has been classified as a Variant of Uncertain Significance.

Breakthrough Genomics
Classification: Uncertain significance. Review status: criteria provided, single submitter. Criteria: ACMG Guidelines, 2015. Collection method: not provided. Allele origin: germline. Inheritance: Autosomal dominant inheritance. Affected: yes.